The following is an entry in ClinVar:

ClinVar aggregate classification (germline): Benign (0 of 4 stars; one submission).

Conditions:
MDN1-related disorder. Also called: MDN1-related condition.

Allele frequency attached by ClinVar (database versions not stated): ESP Exome Variant Server 0.00323; gnomAD 0.00353; 1000 Genomes Project 0.00359; TOPMed 0.00368; 1000 Genomes Project 30x 0.00453.
gnomAD v4.1: 1,108 of 1,612,802 alleles (0.069%); highest among the groups gnomAD compares: African/African-American, 1.1%; 10 homozygotes.

Submission:

PreventionGenetics, part of Exact Sciences
Classification: Benign for MDN1-related condition. Last evaluated: 2019-11-11. Review status: no assertion criteria provided. Collection method: clinical testing. Allele origin: germline.
Comment: This variant is classified as benign based on ACMG/AMP sequence variant interpretation guidelines (Richards et al. 2015 PMID: 25741868, with internal and published modifications).

NM_014611.3(MDN1):c.9718C>T (p.Arg3240Cys)

Gene: MDN1 (midasin AAA ATPase 1; minus strand). Cytogenetic location: 6q15.
Variant type: single nucleotide variant.
Coding change: c.9718C>T on transcript NM_014611.3 (MANE Select); coding-DNA position 9718, C replaced by T.
Protein change: p.Arg3240Cys; replaces arginine 3240 with cysteine.
Molecular consequence: missense variant.
Genome position (GRCh38, 1-based): chr6:89,695,658, G>A on the plus strand (C>T on the coding strand, the complement: MDN1 is on the minus strand). VCF-style: chr6-89695658-G-A. GRCh37 (hg19) VCF-style: chr6-90405377-G-A.
Other names: short protein forms R3240C.
Identifiers: ClinVar variation 3045668 (VCV003045668.2), dbSNP rs115205638, ClinGen allele CA3923741.